The following is an entry in ClinVar:

NM_001365536.1(SCN9A):c.5839G>C (p.Asp1947His)

Genes: SCN1A-AS1 (SCN1A and SCN9A antisense RNA 1; plus strand), SCN9A (sodium voltage-gated channel alpha subunit 9; minus strand). Cytogenetic location: 2q24.3.
Variant type: single nucleotide variant.
Coding change: c.5839G>C on transcript NM_001365536.1 (MANE Select); coding-DNA position 5839, G replaced by C.
Protein change: p.Asp1947His; replaces aspartic acid 1947 with histidine.
Molecular consequence: missense variant.
Genome position (GRCh38, 1-based): chr2:166,198,800, C>G on the plus strand (G>C on the coding strand, the complement: SCN9A is on the minus strand). VCF-style: chr2-166198800-C-G. GRCh37 (hg19) VCF-style: chr2-167055310-C-G.
Other names: c.5806G>C, p.Asp1936His (NM_002977.4); short protein forms D1936H, D1947H.
Identifiers: ClinVar variation 538470 (VCV000538470.10), dbSNP rs1553472744, ClinGen allele CA349051379.
Genomic context (GRCh38, chr2:166,198,800, plus strand): 5'-CTTTGTCTGGCTTTGTTACACTATCATATGAAGGTGGAGAGGTGGTGGATGAAGTGGCAT[C>G]TGTTTTTTCTGGACTTGAGTTCTCATTAACATTATCAAAAGCCATATCTTTTTTATTGAG-3'
Protein context (NP_001352465.1, residues 1937-1957): VNENSSPEKT[Asp1947His]ATSSTTSPPS

ClinVar aggregate classification (germline): Uncertain significance. Review status: criteria provided, multiple submitters, no conflicts (2 of 4 stars). 2 submissions from 2 submitters: Uncertain significance (2). Last evaluated 2025-12-15.

Conditions:
Generalized epilepsy with febrile seizures plus, type 7 (GEFSP7). Also called: GEFS+, TYPE 7. Identifiers: Orphanet 36387, MedGen C2751778, MONDO:0013470, OMIM 613863.
Neuropathy, hereditary sensory and autonomic, type 2A (HSAN2A). Also called: ACROOSTEOLYSIS, GIACCAI TYPE; ACROOSTEOLYSIS, NEUROGENIC; WNK1-Related HSAN2 (HSAN2A); HSAN IIA; MORVAN DISEASE; NEUROPATHY, CONGENITAL SENSORY. Identifiers: Orphanet 970, MedGen C2752089, MONDO:0024309, OMIM 201300.
SCN9A-related disorder. Also called: SCN9A-related disorders; SCN9A-related condition.

Submissions (2):

PreventionGenetics, part of Exact Sciences
Classification: Uncertain significance for SCN9A-related condition. Last evaluated: 2025-12-15. Review status: criteria provided, single submitter. Criteria: ACMG Guidelines, 2015. Collection method: clinical testing. Allele origin: germline.
Comment: The SCN9A c.5806G>C variant is predicted to result in the amino acid substitution p.Asp1936His. To our knowledge, this variant has not been reported in the literature or in a large population database (gnomAD), indicating this variant is rare. At this time, the clinical significance of this variant is uncertain due to the absence of conclusive functional and genetic evidence.

Labcorp Genetics (formerly Invitae), Labcorp
Classification: Uncertain significance for Neuropathy, hereditary sensory and autonomic, type 2A; Generalized epilepsy with febrile seizures plus, type 7. Last evaluated: 2017-12-13. Review status: criteria provided, single submitter. Criteria: Invitae Variant Classification Sherloc (09022015). Collection method: clinical testing. Allele origin: germline.
Comment: In summary, the available evidence is currently insufficient to determine the role of this variant in disease. Therefore, it has been classified as a Variant of Uncertain Significance. Algorithms developed to predict the effect of missense changes on protein structure and function (SIFT, PolyPhen-2, Align-GVGD) all suggest that this variant is likely to be disruptive, but these predictions have not been confirmed by published functional studies and their clinical significance is uncertain. This variant has not been reported in the literature in individuals with SCN9A-related disease. This variant is not present in population databases (ExAC no frequency). This sequence change replaces aspartic acid with histidine at codon 1936 of the SCN9A protein (p.Asp1936His). The aspartic acid residue is highly conserved and there is a moderate physicochemical difference between aspartic acid and histidine.